The following is an entry in ClinVar:

NM_000744.7(CHRNA4):c.1076A>C (p.Lys359Thr)

Gene: CHRNA4 (cholinergic receptor nicotinic alpha 4 subunit; minus strand). Cytogenetic location: 20q13.33.
Variant type: single nucleotide variant.
Coding change: c.1076A>C on transcript NM_000744.7 (MANE Select); coding-DNA position 1076, A replaced by C.
Protein change: p.Lys359Thr; replaces lysine 359 with threonine.
Molecular consequence: missense variant. On other transcripts: non-coding transcript variant (1).
Genome position (GRCh38, 1-based): chr20:63,350,335, T>G on the plus strand (A>C on the coding strand, the complement: CHRNA4 is on the minus strand). VCF-style: chr20-63350335-T-G. GRCh37 (hg19) VCF-style: chr20-61981687-T-G.
Other names: c.548A>C, p.Lys183Thr (NM_001256573.2); short protein forms K183T, K359T.
Identifiers: ClinVar variation 1932454 (VCV001932454.5), dbSNP rs2516540332, ClinGen allele CA409635272.

ClinVar aggregate classification (germline): Uncertain significance (1 of 4 stars; one submission).

Conditions:
Familial sleep-related hypermotor epilepsy. Also called: Autosomal Dominant Sleep-Related Hypermotor (Hyperkinetic) Epilepsy. Identifiers: Orphanet 98784, MedGen C3696898, MONDO:0000030.

Allele frequency attached by ClinVar (database versions not stated): gnomAD exomes below 0.00001.
gnomAD v4.1: 2 of 1,613,412 alleles (0.00012%); highest among the groups gnomAD compares: East Asian, 0.0022%; no homozygotes.

Submission:

Labcorp Genetics (formerly Invitae), Labcorp
Classification: Uncertain significance. Last evaluated: 2024-11-11. Review status: criteria provided, single submitter. Criteria: Invitae Variant Classification Sherloc (09022015). Collection method: clinical testing. Allele origin: germline.
Comment: This sequence change replaces lysine, which is basic and polar, with threonine, which is neutral and polar, at codon 359 of the CHRNA4 protein (p.Lys359Thr). This variant is not present in population databases (gnomAD no frequency). This variant has not been reported in the literature in individuals affected with CHRNA4-related conditions. ClinVar contains an entry for this variant (Variation ID: 1932454). Invitae Evidence Modeling of protein sequence and biophysical properties (such as structural, functional, and spatial information, amino acid conservation, physicochemical variation, residue mobility, and thermodynamic stability) indicates that this missense variant is not expected to disrupt CHRNA4 protein function with a negative predictive value of 80%. In summary, the available evidence is currently insufficient to determine the role of this variant in disease. Therefore, it has been classified as a Variant of Uncertain Significance.